The following is an entry in ClinVar:

ClinVar aggregate classification (germline): Pathogenic (1 of 4 stars; one submission).

Submission:

Labcorp Genetics (formerly Invitae), Labcorp
Classification: Pathogenic. Last evaluated: 2021-08-12. Review status: criteria provided, single submitter. Criteria: Invitae Variant Classification Sherloc (09022015). Collection method: clinical testing. Allele origin: germline.
Comment: This sequence change creates a premature translational stop signal (p.Gln393*) in the FAM161A gene. It is expected to result in an absent or disrupted protein product. Loss-of-function variants in FAM161A are known to be pathogenic (PMID: 20705278, 20705279, 24651477). This variant is not present in population databases (ExAC no frequency). This variant has not been reported in the literature in individuals affected with FAM161A-related conditions. For these reasons, this variant has been classified as Pathogenic.

Literature cited by the submitters: PubMed 20705278; PubMed 20705279; PubMed 24651477.

NM_001201543.2(FAM161A):c.1177C>T (p.Gln393Ter)

Gene: FAM161A (FAM161 centrosomal protein A; minus strand). Cytogenetic location: 2p15.
Variant type: single nucleotide variant.
Coding change: c.1177C>T on transcript NM_001201543.2 (MANE Select); coding-DNA position 1177, C replaced by T.
Protein change: p.Gln393Ter; replaces glutamine 393 with a stop codon.
Molecular consequence: nonsense. On other transcripts: non-coding transcript variant (1).
Genome position (GRCh38, 1-based): chr2:61,839,827, G>A on the plus strand (C>T on the coding strand, the complement: FAM161A is on the minus strand). VCF-style: chr2-61839827-G-A. GRCh37 (hg19) VCF-style: chr2-62066962-G-A.
Other names: c.1177C>T, p.Gln393Ter (NM_032180.3); short protein forms Q393*.
Identifiers: ClinVar variation 1453304 (VCV001453304.6), dbSNP rs2105081486, ClinGen allele CA346987121.
Genomic context (GRCh38, chr2:61,839,827, plus strand): 5'-CAGGACACCTGGGGTTCCTGCATCCACAAGCTGACCTACAAGGCAGAGGAGATGAGTTCT[G>A]TAAATGCTCCTGGGCTCTCAGCTGTGTCCTAAGGTTTCGATAGAGCTCTTCTTCTTTTAA-3'